The following is an entry in ClinVar:

Conditions:
Breast-ovarian cancer, familial, susceptibility to, 1 (BROVCA1). Also called: BRCA1 Hereditary Breast and Ovarian Cancer; OVARIAN CANCER, SUSCEPTIBILITY TO. Identifiers: Orphanet 145, MedGen C2676676, MONDO:0011450, OMIM 604370. Disease mechanism: loss of function.

Submission:

Brotman Baty Institute, University of Washington
No classification provided (evidence only). Condition: Breast-ovarian cancer, familial 1. Review status: no classification provided. Collection method: in vitro. Allele origin: not applicable. Functional consequence: functionally_normal.
ClinVar note: "not provided" was previously submitted as the classification for the variant. However, the classification appeared to be based only on an observation of functional data so it was converted to no classification on 2025-07-30.

NM_007294.4(BRCA1):c.5214A>T (p.Gly1738=)

Gene: BRCA1 (BRCA1 DNA repair associated; minus strand). Cytogenetic location: 17q21.31.
Variant type: single nucleotide variant.
Coding change: c.5214A>T on transcript NM_007294.4 (MANE Select); coding-DNA position 5214, A replaced by T.
Protein change: p.Gly1738=; no amino-acid change (glycine 1738 retained).
Molecular consequence: synonymous variant.
Genome position (GRCh38, 1-based): chr17:43,057,115, T>A on the plus strand (A>T on the coding strand, the complement: BRCA1 is on the minus strand). VCF-style: chr17-43057115-T-A. GRCh37 (hg19) VCF-style: chr17-41209132-T-A.
Other names: c.5211A>T, p.Gly1737= (NM_001407623.1, NM_001407624.1, NM_001407625.1 and 17 more transcripts); c.5208A>T, p.Gly1736= (NM_001407627.1, NM_001407628.1, NM_001407629.1 and 14 more transcripts); c.5205A>T, p.Gly1735= (NM_001407644.1, NM_001407645.1); c.5202A>T, p.Gly1734= (NM_001407646.1); c.5199A>T, p.Gly1733= (NM_001407647.1); c.5157A>T, p.Gly1719= (NM_001407648.1); c.5154A>T, p.Gly1718= (NM_001407649.1); c.5136A>T, p.Gly1712= (NM_001407652.1, NM_001407653.1, NM_001407654.1 and 1 more transcripts); and 72 more.
Identifiers: ClinVar variation 867521 (VCV000867521.3), dbSNP rs2051522491, ClinGen allele CA500144807.
Genomic context (GRCh38, chr17:43,057,115, plus strand): 5'-TCTGTCCTGGGATTCTCTTGCTCGCTTTGGACCTTGGTGGTTTCTTCCATTGACCACATC[T>A]CCTCTGACTTCAAAATCATGCTGAAAGAAACCAAACACAACCCATCAGGATAAGAGAAAG-3'
Protein context (NP_009225.1, residues 1728-1748): MLNEHDFEVR[Gly1738=]DVVNGRNHQG